The following is an entry in ClinVar:

NM_138576.4(BCL11B):c.376C>T (p.His126Tyr)

Gene: BCL11B (BCL11 transcription factor B; minus strand). Cytogenetic location: 14q32.2.
Variant type: single nucleotide variant.
Coding change: c.376C>T on transcript NM_138576.4 (MANE Select); coding-DNA position 376, C replaced by T.
Protein change: p.His126Tyr; replaces histidine 126 with tyrosine.
Molecular consequence: missense variant.
Genome position (GRCh38, 1-based): chr14:99,257,522, G>A on the plus strand (C>T on the coding strand, the complement: BCL11B is on the minus strand). VCF-style: chr14-99257522-G-A. GRCh37 (hg19) VCF-style: chr14-99723859-G-A.
Other names: c.373C>T, p.His125Tyr (NM_001282237.2, NM_001282238.2); c.376C>T, p.His126Tyr (NM_022898.3); short protein forms H125Y, H126Y.
Identifiers: ClinVar variation 3719173 (VCV003719173.2).
Genomic context (GRCh38, chr14:99,257,522, plus strand): 5'-ATCCCATACCTGCAATGTTCTCCTGCTTGGGACAGATGCCTTTCGTGGGTGAGAGCAGGT[G>A]GTCATCTTCGTCGGGGGTGACTTGGATCCCGATCTCCACCGGCTCGGACACTTTCCTGAG-3'
Protein context (NP_612808.1, residues 116-136): GIQVTPDEDD[His126Tyr]LLSPTKGICP

ClinVar aggregate classification (germline): Uncertain significance (1 of 4 stars; one submission).

gnomAD v4.1: 21 of 1,613,384 alleles (0.0013%); highest among the groups gnomAD compares: South Asian, 0.021%; 1 homozygote.

Submission:

Labcorp Genetics (formerly Invitae), Labcorp
Classification: Uncertain significance. Last evaluated: 2024-12-10. Review status: criteria provided, single submitter. Criteria: Invitae Variant Classification Sherloc (09022015). Collection method: clinical testing. Allele origin: germline.
Comment: This sequence change replaces histidine, which is basic and polar, with tyrosine, which is neutral and polar, at codon 126 of the BCL11B protein (p.His126Tyr). This variant is present in population databases (rs751358083, gnomAD 0.02%). This variant has not been reported in the literature in individuals affected with BCL11B-related conditions. Invitae Evidence Modeling of protein sequence and biophysical properties (such as structural, functional, and spatial information, amino acid conservation, physicochemical variation, residue mobility, and thermodynamic stability) indicates that this missense variant is not expected to disrupt BCL11B protein function with a negative predictive value of 95%. In summary, the available evidence is currently insufficient to determine the role of this variant in disease. Therefore, it has been classified as a Variant of Uncertain Significance.